The following is an entry in ClinVar:

ClinVar aggregate classification (germline): Likely benign. Review status: criteria provided, multiple submitters, no conflicts (2 of 4 stars). 5 submissions from 5 submitters: Likely benign (5). Last evaluated 2025-11-02.

Conditions:
Alstrom syndrome (ALMS). Identifiers: Orphanet 64, MedGen C0268425, MONDO:0008763, OMIM 203800.
Cardiovascular phenotype. Identifiers: MedGen CN230736.

Allele frequency attached by ClinVar (database versions not stated): gnomAD exomes 0.00002 and 0.00003; ExAC 0.00003; gnomAD 0.00004 and 0.00005; TOPMed 0.00006.
gnomAD v4.1: 35 of 1,614,038 alleles (0.0022%); highest among the groups gnomAD compares: Admixed American, 0.0033%; no homozygotes.

Submissions (5):

Labcorp Genetics (formerly Invitae), Labcorp
Classification: Likely benign for Alstrom syndrome. Last evaluated: 2025-11-02. Review status: criteria provided, single submitter. Criteria: Invitae Variant Classification Sherloc (09022015). Collection method: clinical testing. Allele origin: germline.

CeGaT Center for Human Genetics Tuebingen
Classification: Likely benign. Last evaluated: 2025-09-01. Review status: criteria provided, single submitter. Criteria: CeGaT Center For Human Genetics Tuebingen Variant Classification Criteria Version 2. Collection method: clinical testing. Allele origin: germline. Affected: yes. Observed: 1 variant allele.
Comment: ALMS1: BP4, BP7

Blueprint Genetics
Classification: Likely benign. Last evaluated: 2024-10-28. Review status: criteria provided, single submitter. Criteria: ACMG Guidelines, 2015. Collection method: clinical testing. Allele origin: germline.

Athena Diagnostics
Classification: Likely benign. Last evaluated: 2020-08-06. Review status: criteria provided, single submitter. Criteria: Athena Diagnostics Criteria. Collection method: clinical testing. Allele origin: unknown.

Ambry Genetics
Classification: Likely benign for Cardiovascular phenotype. Last evaluated: 2020-03-16. Review status: criteria provided, single submitter. Criteria: Ambry Variant Classification Scheme 2023. Collection method: clinical testing. Allele origin: germline.

NM_001378454.1(ALMS1):c.12432A>G (p.Ser4144=)

Gene: ALMS1 (ALMS1 centrosome and basal body associated protein; plus strand). Cytogenetic location: 2p13.1.
Variant type: single nucleotide variant.
Coding change: c.12432A>G on transcript NM_001378454.1 (MANE Select); coding-DNA position 12432, A replaced by G.
Protein change: p.Ser4144=; no amino-acid change (serine 4144 retained).
Molecular consequence: synonymous variant.
Genome position (GRCh38, 1-based): chr2:73,608,544, A>G. VCF-style: chr2-73608544-A-G. GRCh37 (hg19) VCF-style: chr2-73835671-A-G.
Other names: c.12435A>G, p.Ser4145= (NM_015120.4).
Identifiers: ClinVar variation 994497 (VCV000994497.19), dbSNP rs762630256, ClinGen allele CA1715576.
Genomic context (GRCh38, chr2:73,608,544, plus strand): 5'-GCAGCTTCCAGAAGTACAGAAAAAGAGAGAAGAAGAGAAGAGAAAATCAGAATATAAGTC[A>G]TACCGGCTGCGAGCCCAGCTATATAAAAAGGTCAGTGGGTCCTCTGTCTAGAGTGGGATG-3'
Protein context (NP_001365383.1, residues 4134-4154): EEEKRKSEYK[Ser4144=]YRLRAQLYKK